The following is an entry in ClinVar:

ClinVar aggregate classification (germline): Uncertain significance (1 of 4 stars; one submission).

Conditions:
Nephronophthisis. Also called: Juvenile Nephronophthisis. Identifiers: Orphanet 655, MedGen C0687120, MONDO:0019005, HP:0000090.

Allele frequency attached by ClinVar (database versions not stated): gnomAD exomes below 0.00001.
gnomAD v4.1: 4 of 1,611,154 alleles (0.00025%); highest among the groups gnomAD compares: Non-Finnish European, 0.00025%; no homozygotes.

Submission:

Labcorp Genetics (formerly Invitae), Labcorp
Classification: Uncertain significance for Nephronophthisis. Last evaluated: 2022-08-15. Review status: criteria provided, single submitter. Criteria: Invitae Variant Classification Sherloc (09022015). Collection method: clinical testing. Allele origin: germline.
Comment: ClinVar contains an entry for this variant (Variation ID: 1372254). This sequence change replaces leucine, which is neutral and non-polar, with glutamine, which is neutral and polar, at codon 235 of the IQCB1 protein (p.Leu235Gln). This variant is not present in population databases (gnomAD no frequency). This variant has not been reported in the literature in individuals affected with IQCB1-related conditions. Algorithms developed to predict the effect of missense changes on protein structure and function (SIFT, PolyPhen-2, Align-GVGD) all suggest that this variant is likely to be disruptive. Algorithms developed to predict the effect of sequence changes on RNA splicing suggest that this variant may create or strengthen a splice site. In summary, the available evidence is currently insufficient to determine the role of this variant in disease. Therefore, it has been classified as a Variant of Uncertain Significance.

NM_001023570.4(IQCB1):c.704T>A (p.Leu235Gln)

Gene: IQCB1 (IQ motif containing B1; minus strand). Cytogenetic location: 3q13.33.
Variant type: single nucleotide variant.
Coding change: c.704T>A on transcript NM_001023570.4 (MANE Select); coding-DNA position 704, T replaced by A.
Protein change: p.Leu235Gln; replaces leucine 235 with glutamine.
Molecular consequence: missense variant. On other transcripts: non-coding transcript variant (1), intron variant (1).
Genome position (GRCh38, 1-based): chr3:121,799,258, A>T on the plus strand (T>A on the coding strand, the complement: IQCB1 is on the minus strand). VCF-style: chr3-121799258-A-T. GRCh37 (hg19) VCF-style: chr3-121518105-A-T.
Other names: c.704T>A, p.Leu235Gln (NM_001319107.2); c.587+8086T>A (NM_001023571.4); short protein forms L235Q.
Identifiers: ClinVar variation 1372254 (VCV001372254.6), dbSNP rs1949315817, ClinGen allele CA354101728.
Genomic context (GRCh38, chr3:121,799,258, plus strand): 5'-TTGTAGCAGGTACTTTGTCTCAGTAAAATCAAAATTTCCTGATGGGATTCAGCCATCAAC[A>T]GTAGGAGTTTTGTAGCAGTACTTCTTATAACTGGACTAGGAGTTGAAAAAAGCTTGAAAA-3'
Protein context (NP_001018864.2, residues 225-245): VIRSTATKLL[Leu235Gln]LMAESHQEIL